The following is an entry in ClinVar:

ClinVar aggregate classification (germline): Uncertain significance (1 of 4 stars; one submission).

Conditions:
Epilepsy, idiopathic generalized, susceptibility to, 17 (EIG17). Identifiers: MedGen C5561931, MONDO:0100519, OMIM 602477.

gnomAD v4.1: 1 of 1,610,018 alleles (0.000062%); highest among the groups gnomAD compares: Non-Finnish European, 0.000085%; no homozygotes.

Submission:

Institute of Human Genetics, University of Leipzig Medical Center
Classification: Uncertain significance for Epilepsy, idiopathic generalized, susceptibility to, 17. Last evaluated: 2025-04-01. Review status: criteria provided, single submitter. Criteria: ACMG Guidelines, 2015. Collection method: clinical testing. Allele origin: unknown. Inheritance: Autosomal dominant inheritance. Affected: yes.
Comment: Criteria applied: PM1,PM2,PP3

NM_001194.4(HCN2):c.1015C>T (p.Arg339Cys)

Genes: HCN2 (hyperpolarization activated cyclic nucleotide gated potassium and sodium channel 2; plus strand), LOC129391015 (MPRA-validated peak3211 silencer; plus strand). Cytogenetic location: 19p13.3.
Variant type: single nucleotide variant.
Coding change: c.1015C>T on transcript NM_001194.4 (MANE Select); coding-DNA position 1015, C replaced by T.
Protein change: p.Arg339Cys; replaces arginine 339 with cysteine.
Molecular consequence: missense variant.
Genome position (GRCh38, 1-based): chr19:603,926, C>T. VCF-style: chr19-603926-C-T. GRCh37 (hg19) VCF-style: chr19-603926-C-T.
Other names: short protein forms R339C.
Identifiers: ClinVar variation 3901210 (VCV003901210.1).
Genomic context (GRCh38, chr19:603,926, plus strand): 5'-ACGGCACGCGCCCTGCGCATCGTGCGCTTCACCAAGATCCTCAGCCTCCTGCGGCTGCTG[C>T]GCCTCTCACGCCTGATCCGCTACATCCATCAGTGGGAGGAGGTGAGGTGGGGCGGGGGCG-3'
Protein context (NP_001185.3, residues 329-349): TKILSLLRLL[Arg339Cys]LSRLIRYIHQ